The following is an entry in ClinVar:

NM_004304.5(ALK):c.3067G>A (p.Val1023Met)

Gene: ALK (ALK receptor tyrosine kinase; minus strand). Cytogenetic location: 2p23.2.
Variant type: single nucleotide variant.
Coding change: c.3067G>A on transcript NM_004304.5 (MANE Select); coding-DNA position 3067, G replaced by A.
Protein change: p.Val1023Met; replaces valine 1023 with methionine.
Molecular consequence: missense variant.
Genome position (GRCh38, 1-based): chr2:29,226,922, C>T on the plus strand (G>A on the coding strand, the complement: ALK is on the minus strand). VCF-style: chr2-29226922-C-T. GRCh37 (hg19) VCF-style: chr2-29449788-C-T.
Other names: short protein forms V1023M.
Identifiers: ClinVar variation 239818 (VCV000239818.12), dbSNP rs756986057, ClinGen allele CA1594102.

ClinVar aggregate classification (germline): Uncertain significance. Review status: criteria provided, multiple submitters, no conflicts (2 of 4 stars). 2 submissions from 2 submitters: Uncertain significance (2). Last evaluated 2025-03-17.

Conditions:
Hereditary cancer-predisposing syndrome. Also called: Neoplastic Syndromes, Hereditary; Tumor predisposition; Hereditary neoplastic syndrome; Hereditary Cancer Syndrome. Identifiers: Orphanet 140162, MedGen C0027672, MeSH D009386, MONDO:0015356.
Neuroblastoma, susceptibility to, 3. Also called: ALK-Related Neuroblastic Tumor Susceptibility. Identifiers: Orphanet 635, MedGen C2751681, MONDO:0013083, OMIM 613014.

Allele frequency attached by ClinVar (database versions not stated): TOPMed below 0.00001; gnomAD exomes 0.00001; ExAC 0.00002; gnomAD 0.00003.
gnomAD v4.1: 9 of 1,614,100 alleles (0.00056%); highest among the groups gnomAD compares: Non-Finnish European, 0.00076%; no homozygotes.

Submissions (2):

Ambry Genetics
Classification: Uncertain significance for Hereditary cancer-predisposing syndrome. Last evaluated: 2025-03-17. Review status: criteria provided, single submitter. Criteria: Ambry Variant Classification Scheme 2023. Collection method: clinical testing. Allele origin: germline.
Comment: The p.V1023M variant (also known as c.3067G>A), located in coding exon 18 of the ALK gene, results from a G to A substitution at nucleotide position 3067. The amino acid change results in valine to methionine at codon 1023, an amino acid with highly similar properties. However, this change occurs in the last base pair of coding exon 18, which makes it likely to have some effect on normal mRNA splicing. This nucleotide position is well conserved in available vertebrate species. This amino acid position is highly conserved in available vertebrate species. In silico splice site analysis predicts that this alteration may weaken the native splice donor site. In addition, as a missense substitution this alteration is predicted to be tolerated by in silico analysis. Based on the available evidence, the clinical significance of this variant remains unclear.

Labcorp Genetics (formerly Invitae), Labcorp
Classification: Uncertain significance for Neuroblastoma, susceptibility to, 3. Last evaluated: 2025-01-28. Review status: criteria provided, single submitter. Criteria: Invitae Variant Classification Sherloc (09022015). Collection method: clinical testing. Allele origin: germline.
Comment: This sequence change replaces valine, which is neutral and non-polar, with methionine, which is neutral and non-polar, at codon 1023 of the ALK protein (p.Val1023Met). This variant also falls at the last nucleotide of exon 18, which is part of the consensus splice site for this exon. This variant is present in population databases (rs756986057, gnomAD 0.002%). This variant has not been reported in the literature in individuals affected with ALK-related conditions. ClinVar contains an entry for this variant (Variation ID: 239818). An algorithm developed to predict the effect of missense changes on protein structure and function (PolyPhen-2) suggests that this variant is likely to be disruptive. Variants that disrupt the consensus splice site are a relatively common cause of aberrant splicing (PMID: 17576681, 9536098). Algorithms developed to predict the effect of sequence changes on RNA splicing suggest that this variant may disrupt the consensus splice site. In summary, the available evidence is currently insufficient to determine the role of this variant in disease. Therefore, it has been classified as a Variant of Uncertain Significance.

Literature cited by the submitters: PubMed 17576681 (cited by Labcorp Genetics (formerly Invitae), Labcorp); PubMed 9536098 (cited by Labcorp Genetics (formerly Invitae), Labcorp).